The following is an entry in ClinVar:

ClinVar aggregate classification (germline): Conflicting classifications of pathogenicity. Review status: criteria provided, conflicting classifications (1 of 4 stars). 9 submissions from 9 submitters: Uncertain significance (7); Likely benign (2). Last evaluated 2025-10-30.

Conditions:
Hereditary cancer-predisposing syndrome. Also called: Tumor predisposition; Hereditary neoplastic syndrome; Hereditary Cancer Syndrome; Neoplastic Syndromes, Hereditary. Identifiers: Orphanet 140162, MedGen C0027672, MeSH D009386, MONDO:0015356.
Hereditary breast ovarian cancer syndrome. Also called: Hereditary breast and/or ovarian cancer syndrome; Breast and ovarian cancer; Hereditary breast and ovarian cancer syndrome; Hereditary breast and ovarian cancer; Hereditary breast and ovarian cancer syndrome (HBOC); BRCA1- and BRCA2-Associated Hereditary Breast and Ovarian Cancer. Identifiers: Orphanet 145, MedGen C0677776, MeSH D061325, MONDO:0003582. Disease mechanism: loss of function.
Breast-ovarian cancer, familial, susceptibility to, 1 (BROVCA1). Also called: BRCA1 Hereditary Breast and Ovarian Cancer; OVARIAN CANCER, SUSCEPTIBILITY TO. Identifiers: Orphanet 145, MedGen C2676676, MONDO:0011450, OMIM 604370. Disease mechanism: loss of function.

Allele frequency attached by ClinVar (database versions not stated): gnomAD exomes below 0.00001; TOPMed below 0.00001.
gnomAD v4.1: 2 of 1,613,500 alleles (0.00012%); highest among the groups gnomAD compares: Non-Finnish European, 0.00017%; no homozygotes.

Submissions (9):

Ambry Genetics
Classification: Uncertain significance for Hereditary cancer-predisposing syndrome. Last evaluated: 2025-10-30. Review status: criteria provided, single submitter. Criteria: Ambry Variant Classification Scheme 2023. Collection method: clinical testing. Allele origin: germline.
Comment: The p.L735V variant (also known as c.2203C>G), located in coding exon 9 of the BRCA1 gene, results from a C to G substitution at nucleotide position 2203. The leucine at codon 735 is replaced by valine, an amino acid with highly similar properties. This amino acid position is not well conserved in available vertebrate species. In addition, the in silico prediction for this alteration is inconclusive. Since supporting evidence is limited at this time, the clinical significance of this alteration remains unclear.

Quest Diagnostics Nichols Institute San Juan Capistrano
Classification: Uncertain significance. Last evaluated: 2025-07-14. Review status: criteria provided, single submitter. Criteria: Quest Diagnostics criteria. Collection method: clinical testing. Allele origin: unknown.
Comment: The BRCA1 c.2203C>G (p.Leu735Val) variant has been reported in the published literature in individuals with prostate cancer (PMID: 36922933 (2022)), breast cancer (PMID: 30702160 (2019)), other BRCA-associated cancer (PMID: 31853058 (2020)), and described to be located in a region of the BRCA1 gene that is tolerant to missense sequence changes (PMID: 31911673 (2020)). This variant has not been reported in large, multi-ethnic general populations (Genome Aggregation Database). Analysis of this variant using bioinformatics tools for the prediction of the effect of amino acid changes on protein structure and function yielded conflicting predictions that this variant is benign or damaging. Based on the available information, we are unable to determine the clinical significance of this variant.

Mayo Clinic Laboratories, Mayo Clinic
Classification: Likely benign. Last evaluated: 2025-06-30. Review status: criteria provided, single submitter. Criteria: ACMG Guidelines, 2015. Collection method: clinical testing. Allele origin: germline. Observed: 1 variant allele.
Comment: BP1_strong, BP5

Labcorp Genetics (formerly Invitae), Labcorp
Classification: Uncertain significance for Hereditary breast ovarian cancer syndrome. Last evaluated: 2024-05-21. Review status: criteria provided, single submitter. Criteria: Invitae Variant Classification Sherloc (09022015). Collection method: clinical testing. Allele origin: germline.
Comment: This sequence change replaces leucine, which is neutral and non-polar, with valine, which is neutral and non-polar, at codon 735 of the BRCA1 protein (p.Leu735Val). This variant is not present in population databases (gnomAD no frequency). This variant has not been reported in the literature in individuals affected with BRCA1-related conditions. ClinVar contains an entry for this variant (Variation ID: 141481). Advanced modeling of protein sequence and biophysical properties (such as structural, functional, and spatial information, amino acid conservation, physicochemical variation, residue mobility, and thermodynamic stability) performed at Invitae indicates that this missense variant is not expected to disrupt BRCA1 protein function with a negative predictive value of 95%. In summary, the available evidence is currently insufficient to determine the role of this variant in disease. Therefore, it has been classified as a Variant of Uncertain Significance.

All of Us Research Program, National Institutes of Health
Classification: Uncertain significance for Breast-ovarian cancer, familial, susceptibility to, 1. Last evaluated: 2023-05-31. Review status: criteria provided, single submitter. Criteria: ACMG Guidelines, 2015. Collection method: clinical testing. Allele origin: germline. Inheritance: Autosomal dominant inheritance. Observed: 1 variant allele, 1 heterozygote.
Comment: This study involves interpretation of variants in research participants for the purpose of population health screening. Participant phenotype was not available at the time of variant classification. Additional details can be found in publication PMID: 35346344, PMCID: PMC8962531

University of Washington Department of Laboratory Medicine, University of Washington
Classification: Likely benign for Hereditary cancer-predisposing syndrome. Last evaluated: 2023-03-23. Review status: criteria provided, single submitter. Criteria: Dines et al. (Genet Med. 2020). Collection method: curation. Allele origin: germline.
Comment: Missense variant in a coldspot region where missense variants are very unlikely to be pathogenic (PMID:31911673).

BRCA1 coldspot (exon 11 using historical exon numbering). Reclassification based on statistical prior probability

Women's Health and Genetics/Laboratory Corporation of America, LabCorp
Classification: Uncertain significance. Last evaluated: 2020-05-18. Review status: criteria provided, single submitter. Criteria: LabCorp Variant Classification Summary - May 2015. Collection method: clinical testing. Allele origin: germline.
Comment: Variant summary: BRCA1 c.2203C>G (p.Leu735Val) results in a conservative amino acid change in the encoded protein sequence. Five of five in-silico tools predict a benign effect of the variant on protein function. The variant was absent in 250714 control chromosomes (gnomAD). The available data on variant occurrences in the general population are insufficient to allow any conclusion about variant significance. To our knowledge, no occurrence of c.2203C>G in individuals affected with Hereditary Breast And Ovarian Cancer Syndrome and no experimental evidence demonstrating its impact on protein function have been reported. Three ClinVar submitters (evaluation after 2014) cite the variant as uncertain significance. Based on the evidence outlined above, the variant was classified as uncertain significance.

GeneDx
Classification: Uncertain significance. Last evaluated: 2019-09-27. Review status: criteria provided, single submitter. Criteria: GeneDx Variant Classification Process June 2021. Collection method: clinical testing. Allele origin: germline. Affected: yes.
Comment: Has not been previously published as pathogenic or benign to our knowledge; Not observed in large population cohorts (Lek 2016); In silico analysis, which includes protein predictors and evolutionary conservation, supports that this variant does not alter protein structure/function; Also known as 2322C>G

Color Diagnostics, LLC DBA Color Health
Classification: Uncertain significance for Hereditary cancer-predisposing syndrome. Last evaluated: 2019-05-30. Review status: criteria provided, single submitter. Criteria: ACMG Guidelines, 2015. Collection method: clinical testing. Allele origin: germline.

Literature cited by the submitters: PubMed 31911673 (cited by Quest Diagnostics Nichols Institute San Juan Capistrano); PubMed 30702160 (cited by Quest Diagnostics Nichols Institute San Juan Capistrano); PubMed 31853058 (cited by Quest Diagnostics Nichols Institute San Juan Capistrano); PubMed 32377563 (cited by Quest Diagnostics Nichols Institute San Juan Capistrano); PubMed 36922933 (cited by Quest Diagnostics Nichols Institute San Juan Capistrano).

NM_007294.4(BRCA1):c.2203C>G (p.Leu735Val)

Gene: BRCA1 (BRCA1 DNA repair associated; minus strand). Cytogenetic location: 17q21.31.
Variant type: single nucleotide variant.
Coding change: c.2203C>G on transcript NM_007294.4 (MANE Select); coding-DNA position 2203, C replaced by G.
Protein change: p.Leu735Val; replaces leucine 735 with valine.
Molecular consequence: missense variant. On other transcripts: intron variant (137).
Genome position (GRCh38, 1-based): chr17:43,093,328, G>C on the plus strand (C>G on the coding strand, the complement: BRCA1 is on the minus strand). VCF-style: chr17-43093328-G-C. GRCh37 (hg19) VCF-style: chr17-41245345-G-C.
Other names: p.Leu735Val; c.2062C>G, p.Leu688Val (NM_001407942.1, NM_001407944.1, NM_001407945.1 and 29 more transcripts); c.2059C>G, p.Leu687Val (NM_001407943.1, NM_001407964.1, NM_001407747.1 and 20 more transcripts); c.1870C>G, p.Leu624Val (NM_001407946.1, NM_001407947.1, NM_001407948.1 and 6 more transcripts); c.1867C>G, p.Leu623Val (NM_001407958.1, NM_001407954.1, NM_001407955.1 and 1 more transcripts); c.1822C>G, p.Leu608Val (NM_001407959.1, NM_001407960.1, NM_001407963.1); c.1819C>G, p.Leu607Val (NM_001407962.1); c.1699C>G, p.Leu567Val (NM_001407965.1); and 42 more; short protein forms L735V, L688V, L607V, L664V, L687V, L693V, L709V, L732V.
Identifiers: ClinVar variation 141481 (VCV000141481.26), dbSNP rs587781781, ClinGen allele CA001472.